The following is an entry in ClinVar:

ClinVar aggregate classification (germline): Uncertain significance (1 of 4 stars; one submission).

Conditions:
RAB23-related disorder. Also called: RAB23-related condition.

gnomAD v4.1: 8 of 1,613,250 alleles (0.0005%); highest among the groups gnomAD compares: Non-Finnish European, 0.00068%; no homozygotes.

Submission:

PreventionGenetics, part of Exact Sciences
Classification: Uncertain significance for RAB23-related condition. Last evaluated: 2026-09-01. Review status: criteria provided, single submitter. Criteria: ACMG Guidelines, 2015. Collection method: clinical testing. Allele origin: germline.
Comment: The RAB23 c.155+4A>G variant is predicted to interfere with splicing. This variant is predicted to alter splicing based on available splicing prediction programs (SpliceAI, Jaganathan et al. 2019. PubMed ID: 30661751). However, the use of computer prediction programs is not equivalent to functional evidence. To our knowledge, this variant has not been reported in the literature or in a large population database (gnomAD), indicating this variant is rare. At this time, the clinical significance of this variant is uncertain due to the absence of conclusive functional and genetic evidence.

NM_016277.5(RAB23):c.155+4A>G

Gene: RAB23 (RAB23, member RAS oncogene family; minus strand). Cytogenetic location: 6p11.2.
Variant type: single nucleotide variant.
Coding change: c.155+4A>G on transcript NM_016277.5 (MANE Select); 4 bases into the intron after coding-DNA position 155, A replaced by G.
Molecular consequence: intron variant.
Genome position (GRCh38, 1-based): chr6:57,210,222, T>C on the plus strand (A>G on the coding strand, the complement: RAB23 is on the minus strand). VCF-style: chr6-57210222-T-C. GRCh37 (hg19) VCF-style: chr6-57075020-T-C.
Other names: c.155+4A>G (NM_001278666.2, NM_001278667.2, NM_001278668.2 and 1 more transcripts).
Identifiers: ClinVar variation 4982405 (VCV004982405.1).